The following is an entry in ClinVar:

ClinVar aggregate classification (germline): Conflicting classifications of pathogenicity. Review status: criteria provided, conflicting classifications (1 of 4 stars). 2 submissions from 2 submitters: Uncertain significance (1); Likely benign (1). Last evaluated 2026-04-30.

Conditions:
Cardiovascular phenotype. Identifiers: MedGen CN230736.
Alstrom syndrome (ALMS). Identifiers: Orphanet 64, MedGen C0268425, MONDO:0008763, OMIM 203800.

gnomAD v4.1: 32 of 1,613,870 alleles (0.002%); highest among the groups gnomAD compares: Non-Finnish European, 0.0027%; no homozygotes.

Submissions (2):

Ambry Genetics
Classification: Likely benign for Cardiovascular phenotype. Last evaluated: 2026-04-30. Review status: criteria provided, single submitter. Criteria: Ambry Variant Classification Scheme 2023. Collection method: clinical testing. Allele origin: germline.

Labcorp Genetics (formerly Invitae), Labcorp
Classification: Uncertain significance for Alstrom syndrome. Last evaluated: 2022-07-31. Review status: criteria provided, single submitter. Criteria: Invitae Variant Classification Sherloc (09022015). Collection method: clinical testing. Allele origin: germline.
Comment: This sequence change replaces lysine, which is basic and polar, with asparagine, which is neutral and polar, at codon 1134 of the ALMS1 protein (p.Lys1134Asn). This variant is present in population databases (no rsID available, gnomAD 0.0009%). This variant has not been reported in the literature in individuals affected with ALMS1-related conditions. Algorithms developed to predict the effect of missense changes on protein structure and function output the following: SIFT: "Not Available"; PolyPhen-2: "Not Available"; Align-GVGD: "Not Available". The asparagine amino acid residue is found in multiple mammalian species, which suggests that this missense change does not adversely affect protein function. In summary, the available evidence is currently insufficient to determine the role of this variant in disease. Therefore, it has been classified as a Variant of Uncertain Significance.

NM_001378454.1(ALMS1):c.3399G>T (p.Lys1133Asn)

Gene: ALMS1 (ALMS1 centrosome and basal body associated protein; plus strand). Cytogenetic location: 2p13.1.
Variant type: single nucleotide variant.
Coding change: c.3399G>T on transcript NM_001378454.1 (MANE Select); coding-DNA position 3399, G replaced by T.
Protein change: p.Lys1133Asn; replaces lysine 1133 with asparagine.
Molecular consequence: missense variant.
Genome position (GRCh38, 1-based): chr2:73,449,926, G>T. VCF-style: chr2-73449926-G-T. GRCh37 (hg19) VCF-style: chr2-73677053-G-T.
Other names: c.3402G>T, p.Lys1134Asn (NM_015120.4); short protein forms K1134N, K1133N.
Identifiers: ClinVar variation 2147181 (VCV002147181.2), dbSNP rs376683428, ClinGen allele CA347275516.
Genomic context (GRCh38, chr2:73,449,926, plus strand): 5'-GAGTCATCTGCCTAAAGAGGCTCTGAAAATTTCAGTAGCTCCTGGACTAGCAGACCAGAA[G>T]ACTGGCACACCAACTGTAACCTCAACTTCCTACTCACAACATAGAGAAAAGCCCAGCATT-3'
Protein context (NP_001365383.1, residues 1123-1143): ISVAPGLADQ[Lys1133Asn]TGTPTVTSTS